The following is an entry in ClinVar:

NM_016604.4(KDM3B):c.5144G>A (p.Arg1715His)

Gene: KDM3B (lysine demethylase 3B; plus strand). Cytogenetic location: 5q31.2.
Variant type: single nucleotide variant.
Coding change: c.5144G>A on transcript NM_016604.4 (MANE Select); coding-DNA position 5144, G replaced by A.
Protein change: p.Arg1715His; replaces arginine 1715 with histidine.
Molecular consequence: missense variant.
Genome position (GRCh38, 1-based): chr5:138,431,498, G>A. VCF-style: chr5-138431498-G-A. GRCh37 (hg19) VCF-style: chr5-137767187-G-A.
Other names: short protein forms R1715H.
Identifiers: ClinVar variation 3393431 (VCV003393431.1).

ClinVar aggregate classification (germline): Uncertain significance (1 of 4 stars; one submission).

Conditions:
Diets-Jongmans syndrome. Also called: INTELLECTUAL DEVELOPMENTAL DISORDER WITH DISTINCTIVE FACIAL DYSMORPHISM. Identifiers: MedGen C5394263, MONDO:0030012, OMIM 618846.

gnomAD v4.1: 14 of 1,612,162 alleles (0.00087%); highest among the groups gnomAD compares: East Asian, 0.0022%; no homozygotes.

Submission:

Neuberg Centre For Genomic Medicine, NCGM
Classification: Uncertain significance for Diets-Jongmans syndrome. Review status: criteria provided, single submitter. Criteria: ACMG Guidelines, 2015. Collection method: clinical testing. Allele origin: germline. Inheritance: Autosomal dominant inheritance. Affected: yes.
Comment: The observed missense c.5144G>A p.Arg1715His variant in KDM3B gene has not been reported previously as a pathogenic variant nor as a benign variant, to our knowledge. The p.Arg1715His variant has allele frequency 0.0008% in gnomAD Exomes. This variant has not been submitted to the ClinVar database. Multiple lines of computational evidence Polyphen - Benign, SIFT - Tolerated and Mutation Taster - Disease causing predicts conflicting evidence on protein structure and function for this variant. The reference amino acid on KDM3B gene is predicted as conserved by GERP++ and PhyloP across 100 vertebrates. The amino acid Arg at position 1715 is changed to a His changing protein sequence and it might alter its composition and physico-chemical properties. For these reasons, this variant has been classified as Variant of Uncertain Significance VUS.